The following is an entry in ClinVar:

ClinVar aggregate classification (germline): Uncertain significance (1 of 4 stars; one submission).

Submission:

GeneDx
Classification: Uncertain significance. Last evaluated: 2024-06-11. Review status: criteria provided, single submitter. Criteria: GeneDx Variant Classification Process June 2021. Collection method: clinical testing. Allele origin: germline. Affected: yes.
Comment: Not observed at significant frequency in large population cohorts (gnomAD); Canonical splice site variant in a gene or region of a gene for which loss of function is not a well-established mechanism of disease; Has not been previously published as pathogenic or benign to our knowledge

NM_001135146.2(SLC39A8):c.1234-2A>C

Gene: SLC39A8 (solute carrier family 39 member 8; minus strand). Cytogenetic location: 4q24.
Variant type: single nucleotide variant.
Coding change: c.1234-2A>C on transcript NM_001135146.2 (MANE Select); the canonical splice acceptor site of the intron before coding-DNA position 1234, A replaced by C.
Molecular consequence: splice acceptor variant.
Genome position (GRCh38, 1-based): chr4:102,263,195, T>G on the plus strand (A>C on the coding strand, the complement: SLC39A8 is on the minus strand). VCF-style: chr4-102263195-T-G. GRCh37 (hg19) VCF-style: chr4-103184352-T-G.
Other names: c.1234-2A>C (NM_001135147.1, NM_022154.5); c.1033-2A>C (NM_001135148.2).
Identifiers: ClinVar variation 3390449 (VCV003390449.1).